The following is an entry in ClinVar:

NM_001267550.2(TTN):c.71140G>A (p.Glu23714Lys)

Genes: TTN (titin; minus strand), TTN-AS1 (TTN antisense RNA 1; plus strand). Cytogenetic location: 2q31.2.
Variant type: single nucleotide variant.
Coding change: c.71140G>A on transcript NM_001267550.2 (MANE Select); coding-DNA position 71140, G replaced by A.
Protein change: p.Glu23714Lys; replaces glutamic acid 23714 with lysine.
Molecular consequence: missense variant.
Genome position (GRCh38, 1-based): chr2:178,574,992, C>T on the plus strand (G>A on the coding strand, the complement: TTN is on the minus strand). VCF-style: chr2-178574992-C-T. GRCh37 (hg19) VCF-style: chr2-179439719-C-T.
Other names: c.66217G>A, p.Glu22073Lys (NM_001256850.1); c.43945G>A, p.Glu14649Lys (NM_003319.4); c.63436G>A, p.Glu21146Lys (NM_133378.4); c.44320G>A, p.Glu14774Lys (NM_133432.3); c.44521G>A, p.Glu14841Lys (NM_133437.4); c.71140G>A (NM_001267550.1); short protein forms E23714K, E14649K, E14774K, E22073K, E14841K, E21146K.
Identifiers: ClinVar variation 535270 (VCV000535270.10), dbSNP rs767016969, ClinGen allele CA1990675.
Genomic context (GRCh38, chr2:178,574,992, plus strand): 5'-TTGGTCCAGTAGGTGGCCCTGGGATATCATGGACTTGAATGGTGATGACATCACCAACCT[C>T]TCCTACAATGTTCCTTGCTGTTAATGGATAGGGCCCACTATCACTTCTGACACACTCATT-3'
Protein context (NP_001254479.2, residues 23704-23724): YPLTARNIVG[Glu23714Lys]VGDVITIQVH

ClinVar aggregate classification (germline): Conflicting classifications of pathogenicity. Review status: criteria provided, conflicting classifications (1 of 4 stars). 5 submissions from 5 submitters: Uncertain significance (4); Likely benign (1). Last evaluated 2024-12-11.

Conditions:
TTN-related disorder. Also called: TTN-related condition; TTN-related disease; TTN-related disorders.
Dilated cardiomyopathy 1G (CMD1G). Identifiers: Orphanet 154, MedGen C1858763, MONDO:0011400, OMIM 604145.
Autosomal recessive limb-girdle muscular dystrophy type 2J (LGMDR10). Also called: Limb-girdle muscular dystrophy, type 2J; MUSCULAR DYSTROPHY, LIMB-GIRDLE, AUTOSOMAL RECESSIVE 10. Identifiers: Orphanet 140922, MedGen C1837342, MONDO:0012127, OMIM 608807.

Allele frequency attached by ClinVar (database versions not stated): gnomAD exomes below 0.00001 and 0.00001; ExAC 0.00001; TOPMed 0.00001.
gnomAD v4.1: 10 of 1,613,368 alleles (0.00062%); highest among the groups gnomAD compares: Admixed American, 0.0017%; no homozygotes.

Submissions (5):

Dasa
Classification: Uncertain significance. Last evaluated: 2024-12-11. Review status: criteria provided, single submitter. Criteria: DASA Assertion Criteria. Collection method: clinical testing. Allele origin: germline.
Comment: NM_001267550.2(TTN):c.71140G>A (p.Glu23714Lys) is a missense variant that results in the substitution of glutamic acid with lysine. This variant is rare in population databases. Computational prediction algorithms are consistent with a benign effect. The currently available literature and clinical evidence are not sufficient to establish a definitive association between this variant and the reported condition. Therefore, this variant is classified as a variant of uncertain significance.

GeneDx
Classification: Uncertain significance. Last evaluated: 2024-08-20. Review status: criteria provided, single submitter. Criteria: GeneDx Variant Classification Process June 2021. Collection method: clinical testing. Allele origin: germline. Affected: yes.
Comment: Has not been previously published as pathogenic or benign to our knowledge; Not observed at significant frequency in large population cohorts (gnomAD); Missense variant in a gene in which most reported pathogenic variants are truncating/loss of function

PreventionGenetics, part of Exact Sciences
Classification: Uncertain significance for TTN-related condition. Last evaluated: 2023-05-09. Review status: criteria provided, single submitter. Criteria: ACMG Guidelines, 2015. Collection method: clinical testing. Allele origin: germline.
Comment: The TTN c.71140G>A variant is predicted to result in the amino acid substitution p.Glu23714Lys. To our knowledge, this variant has not been reported in the literature. This variant is present in one allele out ~248,000 allele in the gnomAD database. At this time, the clinical significance of this variant is uncertain due to the absence of conclusive functional and genetic evidence.

Blueprint Genetics
Classification: Likely benign. Last evaluated: 2022-10-27. Review status: criteria provided, single submitter. Criteria: ACMG Guidelines, 2015. Collection method: clinical testing. Allele origin: germline.

Labcorp Genetics (formerly Invitae), Labcorp
Classification: Uncertain significance for Dilated cardiomyopathy 1G; Autosomal recessive limb-girdle muscular dystrophy type 2J. Last evaluated: 2017-09-13. Review status: criteria provided, single submitter. Criteria: Invitae Variant Classification Sherloc (09022015). Collection method: clinical testing. Allele origin: germline.